The following is an entry in ClinVar:

NM_015338.6(ASXL1):c.1720-1G>A

Gene: ASXL1 (ASXL transcriptional regulator 1; plus strand). Cytogenetic location: 20q11.21.
Variant type: single nucleotide variant.
Coding change: c.1720-1G>A on transcript NM_015338.6 (MANE Select); the canonical splice acceptor site of the intron before coding-DNA position 1720, G replaced by A.
Molecular consequence: splice acceptor variant.
Genome position (GRCh38, 1-based): chr20:32,434,431, G>A. VCF-style: chr20-32434431-G-A. GRCh37 (hg19) VCF-style: chr20-31022234-G-A.
Other names: c.1537-1G>A (NM_001363734.1).
Identifiers: ClinVar variation 870588 (VCV000870588.4), dbSNP rs1254271466, ClinGen allele CA408557739.

ClinVar aggregate classification (germline): Pathogenic. Review status: criteria provided, multiple submitters, no conflicts (2 of 4 stars). 2 submissions from 2 submitters: Pathogenic (2). Last evaluated 2019-06-24.

Conditions:
Bohring-Opitz syndrome. Also called: OPITZ TRIGONOCEPHALY-LIKE SYNDROME; ASXL1-Related Bohring-Opitz Syndrome; C-LIKE SYNDROME; BOHRING SYNDROME. Identifiers: Orphanet 97297, MedGen C0796232, MONDO:0011510, OMIM 605039.

gnomAD v4.1: 4 of 1,613,846 alleles (0.00025%); highest among the groups gnomAD compares: Non-Finnish European, 0.00034%; no homozygotes.

Submissions (2):

Baylor Genetics
Classification: Pathogenic for Bohring-Opitz syndrome. Last evaluated: 2019-06-24. Review status: criteria provided, single submitter. Criteria: ACMG Guidelines, 2015. Collection method: clinical testing. Allele origin: unknown. Affected: yes.
Comment: This variant was determined to be pathogenic according to ACMG Guidelines, 2015 [PMID:25741868].

Undiagnosed Diseases Network, NIH
Classification: Pathogenic for Bohring-Opitz syndrome. Last evaluated: 2019-06-24. Review status: criteria provided, single submitter. Criteria: ACMG Guidelines, 2015. Collection method: clinical testing. Allele origin: de novo. Inheritance: Autosomal dominant inheritance. Affected: yes. Observed: 2 variant alleles, 1 heterozygote.